The following is an entry in ClinVar:

NM_004004.6(GJB2):c.410C>G (p.Thr137Arg)

Gene: GJB2 (gap junction protein beta 2; minus strand). Cytogenetic location: 13q12.11.
Variant type: single nucleotide variant.
Coding change: c.410C>G on transcript NM_004004.6 (MANE Select); coding-DNA position 410, C replaced by G.
Protein change: p.Thr137Arg; replaces threonine 137 with arginine.
Molecular consequence: missense variant.
Genome position (GRCh38, 1-based): chr13:20,189,172, G>C on the plus strand (C>G on the coding strand, the complement: GJB2 is on the minus strand). VCF-style: chr13-20189172-G-C. GRCh37 (hg19) VCF-style: chr13-20763311-G-C.
Other names: short protein forms T137R.
Identifiers: ClinVar variation 1313785 (VCV001313785.3), dbSNP rs1959058054, ClinGen allele CA387461206.
Genomic context (GRCh38, chr13:20,189,172, plus strand): 5'-ATGACATAGAAGACGTACATGAAGGCGGCTTCGAAGATGACCCGGAAGAAGATGCTGCTT[G>C]TGTAGGTCCACCACAGGGAGCCTTCGATGCGGACCTTCTGGGTTTTGATCTCCTCGATGT-3'
Protein context (NP_003995.2, residues 127-147): RIEGSLWWTY[Thr137Arg]SSIFFRVIFE

ClinVar aggregate classification (germline): Uncertain significance. Review status: criteria provided, single submitter (1 of 4 stars). 2 submissions from 2 submitters: Uncertain significance (1). 1 of the submissions does not count toward it. Last evaluated 2021-01-05.

Conditions:
Autosomal recessive nonsyndromic hearing loss 1A (DFNB1A). Also called: Deafness, autosomal recessive 1A; Nonsyndromic Hearing Loss and Deafness, DFNB1; GJB6-Related DFNB 1 Nonsyndromic Hearing Loss and Deafness; GJB2-Related Autosomal Recessive Nonsyndromic Hearing Loss; Connexin 26 deafness; Deafness nonsyndromic, Connexin 26 linked. Identifiers: Orphanet 90636, MedGen C2673759, MONDO:0009076, OMIM 220290.

Submissions (2):

GeneDx
Classification: Uncertain significance. Last evaluated: 2021-01-05. Review status: criteria provided, single submitter. Criteria: GeneDx Variant Classification Process June 2021. Collection method: clinical testing. Allele origin: germline. Affected: yes.
Comment: Not observed in large population cohorts (Lek et al., 2016); In silico analysis supports that this missense variant does not alter protein structure/function; Has not been previously published as pathogenic or benign to our knowledge

Natera, Inc.
Classification: Uncertain significance for Autosomal recessive deafness type 1A. Last evaluated: 2025-02-17. Review status: no assertion criteria provided. Collection method: clinical testing. Allele origin: germline. Not counted in ClinVar's aggregate classification.